The following is an entry in ClinVar:

NM_020975.6(RET):c.1065G>T (p.Arg355Ser)

Gene: RET (ret proto-oncogene; plus strand). Cytogenetic location: 10q11.21.
Variant type: single nucleotide variant.
Coding change: c.1065G>T on transcript NM_020975.6 (MANE Select); coding-DNA position 1065, G replaced by T.
Protein change: p.Arg355Ser; replaces arginine 355 with serine.
Molecular consequence: missense variant. On other transcripts: synonymous variant (3).
Genome position (GRCh38, 1-based): chr10:43,109,032, G>T. VCF-style: chr10-43109032-G-T. GRCh37 (hg19) VCF-style: chr10-43604480-G-T.
Other names: c.1065G>T, p.Arg355Ser (NM_000323.2, NM_001406743.1, NM_001406744.1 and 6 more transcripts); c.303G>T, p.Arg101Ser (NM_001355216.2); c.936G>T, p.Arg312Ser (NM_001406761.1, NM_001406762.1, NM_001406764.1 and 1 more transcripts); c.777G>T, p.Arg259Ser (NM_001406766.1, NM_001406767.1, NM_001406770.1); c.627G>T, p.Gly209= (NM_001406771.1, NM_001406773.1); c.339G>T, p.Arg113Ser (NM_001406775.1, NM_001406776.1, NM_001406777.1 and 1 more transcripts); c.75G>T, p.Gly25= (NM_001406784.1); short protein forms R101S, R259S, R355S, R113S, R312S.
Identifiers: ClinVar variation 2161441 (VCV002161441.5), dbSNP rs2538422978, ClinGen allele CA376547166.

ClinVar aggregate classification (germline): Uncertain significance. Review status: criteria provided, multiple submitters, no conflicts (2 of 4 stars). 2 submissions from 2 submitters: Uncertain significance (2). Last evaluated 2026-06-11.

Conditions:
Hereditary cancer-predisposing syndrome. Also called: Tumor predisposition; Hereditary Cancer Syndrome; Hereditary neoplastic syndrome; Neoplastic Syndromes, Hereditary. Identifiers: Orphanet 140162, MedGen C0027672, MeSH D009386, MONDO:0015356.
Multiple endocrine neoplasia, type 2 (MEN2). Identifiers: Orphanet 653, MedGen C4048306, MONDO:0019003. Disease mechanism: gain of function.

Submissions (2):

Ambry Genetics
Classification: Uncertain significance for Hereditary cancer-predisposing syndrome. Last evaluated: 2026-06-11. Review status: criteria provided, single submitter. Criteria: Ambry Variant Classification Scheme 2023. Collection method: clinical testing. Allele origin: germline.
Comment: The p.R355S variant (also known as c.1065G>T), located in coding exon 6 of the RET gene, results from a G to T substitution at nucleotide position 1065. The arginine at codon 355 is replaced by serine, an amino acid with dissimilar properties. This amino acid position is not well conserved in available vertebrate species. In addition, this alteration is predicted to be tolerated by in silico analysis. Based on the available evidence, the clinical significance of this variant remains unclear.

Labcorp Genetics (formerly Invitae), Labcorp
Classification: Uncertain significance for Multiple endocrine neoplasia, type 2. Last evaluated: 2022-02-22. Review status: criteria provided, single submitter. Criteria: Invitae Variant Classification Sherloc (09022015). Collection method: clinical testing. Allele origin: germline.
Comment: This variant is not present in population databases (gnomAD no frequency). In summary, the available evidence is currently insufficient to determine the role of this variant in disease. Therefore, it has been classified as a Variant of Uncertain Significance. Algorithms developed to predict the effect of missense changes on protein structure and function are either unavailable or do not agree on the potential impact of this missense change (SIFT: "Deleterious"; PolyPhen-2: "Benign"; Align-GVGD: "Class C0"). This variant has not been reported in the literature in individuals affected with RET-related conditions. This sequence change replaces arginine, which is basic and polar, with serine, which is neutral and polar, at codon 355 of the RET protein (p.Arg355Ser).